The following is an entry in ClinVar:

ClinVar aggregate classification (germline): Conflicting classifications of pathogenicity. Review status: criteria provided, conflicting classifications (1 of 4 stars). 2 submissions from 2 submitters: Uncertain significance (1); Likely benign (1). Last evaluated 2025-06-18.

Conditions:
Hereditary cancer-predisposing syndrome. Also called: Tumor predisposition; Hereditary neoplastic syndrome; Neoplastic Syndromes, Hereditary; Hereditary Cancer Syndrome. Identifiers: Orphanet 140162, MedGen C0027672, MeSH D009386, MONDO:0015356.
Multiple endocrine neoplasia type 4. Also called: MULTIPLE ENDOCRINE NEOPLASIA, TYPE IV. Identifiers: Orphanet 276152, MedGen C1970712, MONDO:0012552, OMIM 610755.

Submissions (2):

Ambry Genetics
Classification: Likely benign for Hereditary cancer-predisposing syndrome. Last evaluated: 2025-06-18. Review status: criteria provided, single submitter. Criteria: Ambry Variant Classification Scheme 2023. Collection method: clinical testing. Allele origin: germline.

Labcorp Genetics (formerly Invitae), Labcorp
Classification: Uncertain significance for Multiple endocrine neoplasia type 4. Last evaluated: 2019-09-05. Review status: criteria provided, single submitter. Criteria: Invitae Variant Classification Sherloc (09022015). Collection method: clinical testing. Allele origin: germline.
Comment: This variant is not present in population databases (ExAC no frequency). This sequence change replaces glycine with glutamic acid at codon 150 of the CDKN1B protein (p.Gly150Glu). The glycine residue is highly conserved and there is a moderate physicochemical difference between glycine and glutamic acid. This variant has not been reported in the literature in individuals with CDKN1B-related conditions. In summary, the available evidence is currently insufficient to determine the role of this variant in disease. Therefore, it has been classified as a Variant of Uncertain Significance. Algorithms developed to predict the effect of missense changes on protein structure and function output the following: SIFT: "Deleterious"; PolyPhen-2: "Benign"; Align-GVGD: "Class C0". The glutamic acid amino acid residue is found in multiple mammalian species, suggesting that this missense change does not adversely affect protein function. These predictions have not been confirmed by published functional studies and their clinical significance is uncertain.

NM_004064.5(CDKN1B):c.449G>A (p.Gly150Glu)

Gene: CDKN1B (cyclin dependent kinase inhibitor 1B; plus strand). Cytogenetic location: 12p13.1.
Variant type: single nucleotide variant.
Coding change: c.449G>A on transcript NM_004064.5 (MANE Select); coding-DNA position 449, G replaced by A.
Protein change: p.Gly150Glu; replaces glycine 150 with glutamic acid.
Molecular consequence: missense variant.
Genome position (GRCh38, 1-based): chr12:12,718,288, G>A. VCF-style: chr12-12718288-G-A. GRCh37 (hg19) VCF-style: chr12-12871222-G-A.
Other names: c.449G>A (NM_004064.3); short protein forms G150E.
Identifiers: ClinVar variation 939444 (VCV000939444.10), dbSNP rs772818396, ClinGen allele CA383970847.